The following is an entry in ClinVar:

ClinVar aggregate classification (germline): Conflicting classifications of pathogenicity. Review status: criteria provided, conflicting classifications (1 of 4 stars). 5 submissions from 5 submitters: Uncertain significance (3); Likely benign (2). Last evaluated 2026-04-01.

Conditions:
POMGNT1-related disorder. Also called: POMGNT1-related disorders; POMGNT1-related condition. Identifiers: MedGen CN239299.
Muscular dystrophy-dystroglycanopathy (congenital with impaired intellectual development), type B, 3. Also called: Muscular dystrophy-dystroglycanopathy (congenital with intellectual disability), type B3; MUSCULAR DYSTROPHY, CONGENITAL, POMGNT1-RELATED. Identifiers: MedGen C3150412, MONDO:0013155, OMIM 613151.
Autosomal recessive limb-girdle muscular dystrophy type 2O. Also called: MUSCULAR DYSTROPHY-DYSTROGLYCANOPATHY, LIMB-GIRDLE, POMGNT1-RELATED; Limb-Girdle Muscular Dystrophy Type 3C; MUSCULAR DYSTROPHY-DYSTROGLYCANOPATHY (LIMB-GIRDLE), TYPE C, 3. Identifiers: Orphanet 206564, MedGen C3150417, MONDO:0013161, OMIM 613157.

Allele frequency attached by ClinVar (database versions not stated): TOPMed 0.00003; gnomAD exomes 0.00001 and 0.00003; gnomAD 0.00001.
gnomAD v4.1: 48 of 1,613,604 alleles (0.003%); highest among the groups gnomAD compares: Non-Finnish European, 0.0039%; no homozygotes.

Submissions (5):

CeGaT Center for Human Genetics Tuebingen
Classification: Uncertain significance. Last evaluated: 2026-04-01. Review status: criteria provided, single submitter. Criteria: CeGaT Center For Human Genetics Tuebingen Variant Classification Criteria Version 2. Collection method: clinical testing. Allele origin: germline. Affected: yes. Observed: 1 variant allele.
Comment: POMGNT1: PM2, BP4

Labcorp Genetics (formerly Invitae), Labcorp
Classification: Likely benign for Autosomal recessive limb-girdle muscular dystrophy type 2O; Muscular dystrophy-dystroglycanopathy (congenital with impaired intellectual development), type B, 3. Last evaluated: 2025-10-28. Review status: criteria provided, single submitter. Criteria: Invitae Variant Classification Sherloc (09022015). Collection method: clinical testing. Allele origin: germline.

PreventionGenetics, part of Exact Sciences
Classification: Uncertain significance for POMGNT1-related condition. Last evaluated: 2024-11-16. Review status: criteria provided, single submitter. Criteria: ACMG Guidelines, 2015. Collection method: clinical testing. Allele origin: germline.
Comment: The POMGNT1 c.1897A>C variant is predicted to result in the amino acid substitution p.Asn633His. To our knowledge, this variant has not been reported in the literature. This variant is reported in 0.0027% of alleles in individuals of European (Non-Finnish) descent in gnomAD. In other transcripts, such as the one chosen as the canonical transcript by HGMD, this variant is synonymous, present in the terminal exon, and not predicted to impact splicing (NM_017739.3:c.1923A>C (p.=); SpliceAI, Jaganathan et al. 2019. PubMed ID: 30661751). At this time, the clinical significance of this variant is uncertain due to the absence of conclusive functional and genetic evidence.

Blueprint Genetics
Classification: Likely benign. Last evaluated: 2022-07-06. Review status: criteria provided, single submitter. Criteria: ACMG Guidelines, 2015. Collection method: clinical testing. Allele origin: germline.

Eurofins Ntd Llc (ga)
Classification: Uncertain significance. Last evaluated: 2017-02-28. Review status: criteria provided, single submitter. Criteria: EGL Classification Definitions 2015. Collection method: clinical testing. Allele origin: germline. Observed: 6 variant alleles, 5 heterozygotes, 1 homozygote.

NM_017739.4(POMGNT1):c.1923A>C (p.Pro641=)

Genes: POMGNT1 (protein O-linked mannose N-acetylglucosaminyltransferase 1 (beta 1,2-); minus strand), TSPAN1 (tetraspanin 1; plus strand). Cytogenetic location: 1p34.1.
Variant type: single nucleotide variant.
Coding change: c.1923A>C on transcript NM_017739.4 (MANE Select); coding-DNA position 1923, A replaced by C.
Protein change: p.Pro641=; no amino-acid change (proline 641 retained).
Molecular consequence: synonymous variant. On other transcripts: missense variant (1), intron variant (1).
Genome position (GRCh38, 1-based): chr1:46,189,330, T>G on the plus strand (A>C on the coding strand, the complement: POMGNT1 is on the minus strand). VCF-style: chr1-46189330-T-G. GRCh37 (hg19) VCF-style: chr1-46655002-T-G.
Other names: c.1897A>C (NM_001243766.1); c.1897A>C, p.Asn633His (NM_001243766.2); c.1857A>C, p.Pro619= (NM_001290129.3); c.1494A>C, p.Pro498= (NM_001290130.2); c.1895+128A>C (NM_001410783.1); short protein forms N633H.
Identifiers: ClinVar variation 288627 (VCV000288627.19), dbSNP rs886043958, ClinGen allele CA10606162.